The following is an entry in ClinVar:

NM_001363711.2(DUOX2):c.1300_1320del (p.Arg434_Ser440del)

Gene: DUOX2 (dual oxidase 2; minus strand). Cytogenetic location: 15q21.1.
Variant type: Deletion.
Coding change: c.1300_1320del on transcript NM_001363711.2 (MANE Select); coding-DNA positions 1300 to 1320, 21 bases deleted (CGAGATATGGGGCTGCCCAGC).
Protein change: p.Arg434_Ser440del.
Molecular consequence: inframe deletion.
Genome position (GRCh38, 1-based): chr15:45,108,867-45,108,887, GCTGGGCAGCCCCATATCTCG deleted on the plus strand (CGAGATATGGGGCTGCCCAGC on the coding strand, the reverse complement: DUOX2 is on the minus strand); deleting any 21 consecutive bases within chr15:45,108,867-45,108,889 gives the same sequence; the c. name uses the placement nearest the transcript's 3' end. VCF-style (leftmost placement, unchanged base first): chr15-45108866-AGCTGGGCAGCCCCATATCTCG-A. GRCh37 (hg19) VCF-style: chr15-45401064-AGCTGGGCAGCCCCATATCTCG-A.
Other names: c.1300_1320del, p.Arg434_Ser440del (NM_014080.5); c.1300_1320del21 (NM_014080.4); c.1300_1320del (NM_014080.4).
Identifiers: ClinVar variation 2419064 (VCV002419064.5), dbSNP rs1233050377, ClinGen allele CA713143981.

ClinVar aggregate classification (germline): Conflicting classifications of pathogenicity. Review status: criteria provided, conflicting classifications (1 of 4 stars). 3 submissions from 3 submitters: Likely pathogenic (1); Uncertain significance (2). Last evaluated 2025-03-18.

Conditions:
Thyroid dyshormonogenesis 6 (TDH6). Also called: THYROID HORMONOGENESIS, GENETIC DEFECT IN, 6; HYPOTHYROIDISM, CONGENITAL, DUE TO DYSHORMONOGENESIS, 6; Genetic transient congenital hypothyroidism. Identifiers: Orphanet 226316, Orphanet 95716, MedGen C1846632, MONDO:0011792, OMIM 607200.
DUOX2-related disorder. Also called: DUOX2-related condition.

Submissions (3):

PreventionGenetics, part of Exact Sciences
Classification: Uncertain significance for DUOX2-related condition. Last evaluated: 2025-03-18. Review status: criteria provided, single submitter. Criteria: ACMG Guidelines, 2015. Collection method: clinical testing. Allele origin: germline.
Comment: The DUOX2 c.1300_1320del21 variant is predicted to result in an in-frame deletion (p.Arg434_Ser440del). This variant has been reported in individuals with thyroid dyshormonogenesis or congenital hypothyroidism (see for example: Long et al. 2018. PubMed ID: 30022773; Sun et al. 2018. PubMed ID: 29650690; Chen et al. 2018. PubMed ID: 30154845). This variant has not been reported in a large population database (gnomAD), indicating this variant is rare. Although we suspect that this variant may be pathogenic, at this time, the clinical significance of this variant is uncertain due to the absence of conclusive functional and genetic evidence.

Fulgent Genetics
Classification: Likely pathogenic for Thyroid dyshormonogenesis 6. Last evaluated: 2024-05-07. Review status: criteria provided, single submitter. Criteria: ACMG Guidelines, 2015. Collection method: clinical testing. Allele origin: germline.

Labcorp Genetics (formerly Invitae), Labcorp
Classification: Uncertain significance. Last evaluated: 2022-01-27. Review status: criteria provided, single submitter. Criteria: Invitae Variant Classification Sherloc (09022015). Collection method: clinical testing. Allele origin: germline.
Comment: This variant, c.1300_1320del, results in the deletion of 7 amino acid(s) of the DUOX2 protein (p.Arg434_Ser440del), but otherwise preserves the integrity of the reading frame. This variant is not present in population databases (gnomAD no frequency). This variant has been observed in individual(s) with autosomal recessive DUOX2-related conditions (PMID: 29650690, 30022773, 30154845, 32319661). Experimental studies and prediction algorithms are not available or were not evaluated, and the functional significance of this variant is currently unknown. In summary, the available evidence is currently insufficient to determine the role of this variant in disease. Therefore, it has been classified as a Variant of Uncertain Significance.

Literature cited by the submitters: PubMed 29650690 (cited by Labcorp Genetics (formerly Invitae), Labcorp); PubMed 30022773 (cited by Labcorp Genetics (formerly Invitae), Labcorp); PubMed 30154845 (cited by Labcorp Genetics (formerly Invitae), Labcorp); PubMed 32319661 (cited by Labcorp Genetics (formerly Invitae), Labcorp).